The following is an entry in ClinVar:

ClinVar aggregate classification (germline): Likely benign. Review status: criteria provided, single submitter (1 of 4 stars). 2 submissions from 2 submitters: Likely benign (1). 1 of the submissions does not count toward it. Last evaluated 2025-09-08.

Conditions:
UNC45A-related disorder. Also called: UNC45A-related condition.

Allele frequency attached by ClinVar (database versions not stated): ExAC 0.00005; gnomAD 0.00005; TOPMed 0.00006; ESP Exome Variant Server 0.00023.
gnomAD v4.1: 67 of 1,614,024 alleles (0.0042%); highest among the groups gnomAD compares: African/African-American, 0.008%; no homozygotes.

Submissions (2):

Labcorp Genetics (formerly Invitae), Labcorp
Classification: Likely benign. Last evaluated: 2025-09-08. Review status: criteria provided, single submitter. Criteria: Invitae Variant Classification Sherloc (09022015). Collection method: clinical testing. Allele origin: germline.

PreventionGenetics, part of Exact Sciences
Classification: Likely benign for UNC45A-related condition. Last evaluated: 2021-05-17. Review status: no assertion criteria provided. Collection method: clinical testing. Allele origin: germline. Not counted in ClinVar's aggregate classification.
Comment: This variant is classified as likely benign based on ACMG/AMP sequence variant interpretation guidelines (Richards et al. 2015 PMID: 25741868, with internal and published modifications).

NM_018671.5(UNC45A):c.1614G>A (p.Gln538=)

Gene: UNC45A (unc-45 myosin chaperone A; plus strand). Cytogenetic location: 15q26.1.
Variant type: single nucleotide variant.
Coding change: c.1614G>A on transcript NM_018671.5 (MANE Select); coding-DNA position 1614, G replaced by A.
Protein change: p.Gln538=; no amino-acid change (glutamine 538 retained).
Molecular consequence: synonymous variant.
Genome position (GRCh38, 1-based): chr15:90,948,160, G>A. VCF-style: chr15-90948160-G-A. GRCh37 (hg19) VCF-style: chr15-91491390-G-A.
Other names: c.1569G>A, p.Gln523= (NM_001039675.2, NM_001323621.2); c.1614G>A, p.Gln538= (NM_001323619.1); c.1179G>A, p.Gln393= (NM_001323620.2).
Identifiers: ClinVar variation 1665815 (VCV001665815.10), dbSNP rs150629853, ClinGen allele CA7742991.